The following is an entry in ClinVar:

NM_004415.4(DSP):c.7501T>C (p.Cys2501Arg)

Gene: DSP (desmoplakin; plus strand). Cytogenetic location: 6p24.3.
Variant type: single nucleotide variant.
Coding change: c.7501T>C on transcript NM_004415.4 (MANE Select); coding-DNA position 7501, T replaced by C.
Protein change: p.Cys2501Arg; replaces cysteine 2501 with arginine.
Molecular consequence: missense variant.
Genome position (GRCh38, 1-based): chr6:7,584,763, T>C. VCF-style: chr6-7584763-T-C. GRCh37 (hg19) VCF-style: chr6-7584996-T-C.
Other names: c.5704T>C, p.Cys1902Arg (NM_001008844.3); c.6172T>C, p.Cys2058Arg (NM_001319034.2); short protein forms C2501R, C1902R, C2058R.
Identifiers: ClinVar variation 922763 (VCV000922763.11), dbSNP rs776405018, ClinGen allele CA049953.

ClinVar aggregate classification (germline): Uncertain significance. Review status: criteria provided, multiple submitters, no conflicts (2 of 4 stars). 4 submissions from 4 submitters: Uncertain significance (4). Last evaluated 2025-08-14.

Conditions:
Arrhythmogenic right ventricular dysplasia 8 (ARVD8). Also called: Arrhythmogenic Right Ventricular Dysplasia/Cardiomyopathy 8; ARRHYTHMOGENIC RIGHT VENTRICULAR DYSPLASIA, FAMILIAL, 8; ARRHYTHMOGENIC RIGHT VENTRICULAR CARDIOMYOPATHY 8. Identifiers: MedGen C1843896, MONDO:0011831, OMIM 607450.
Arrhythmogenic cardiomyopathy with wooly hair and keratoderma. Also called: PALMOPLANTAR KERATODERMA WITH LEFT VENTRICULAR CARDIOMYOPATHY AND WOOLLY HAIR; Carvajal syndrome; Dilated cardiomyopathy with woolly hair and keratoderma; Arrhythmogenic cardiomyopathy with woolly hair and keratoderma. Identifiers: Orphanet 65282, MedGen C1854063, MONDO:0011581, OMIM 605676.
Cardiomyopathy (CMYO). Also called: Cardiomyopathies. Identifiers: Orphanet 167848, MedGen C0878544, MONDO:0004994, HP:0001638. Inheritance: Various modes of inheritance.
Cardiovascular phenotype. Identifiers: MedGen CN230736.

Allele frequency attached by ClinVar (database versions not stated): gnomAD exomes below 0.00001 and 0.00001; ExAC 0.00001.
gnomAD v4.1: 4 of 1,614,218 alleles (0.00025%); highest among the groups gnomAD compares: Middle Eastern, 0.016%; no homozygotes.

Submissions (4):

Ambry Genetics
Classification: Uncertain significance for Cardiovascular phenotype. Last evaluated: 2025-08-14. Review status: criteria provided, single submitter. Criteria: Ambry Variant Classification Scheme 2023. Collection method: clinical testing. Allele origin: germline.

Labcorp Genetics (formerly Invitae), Labcorp
Classification: Uncertain significance for Arrhythmogenic cardiomyopathy with wooly hair and keratoderma; Arrhythmogenic right ventricular dysplasia 8. Last evaluated: 2024-12-12. Review status: criteria provided, single submitter. Criteria: Invitae Variant Classification Sherloc (09022015). Collection method: clinical testing. Allele origin: germline.
Comment: This sequence change replaces cysteine, which is neutral and slightly polar, with arginine, which is basic and polar, at codon 2501 of the DSP protein (p.Cys2501Arg). This variant is present in population databases (rs776405018, gnomAD 0.0009%). This variant has not been reported in the literature in individuals affected with DSP-related conditions. ClinVar contains an entry for this variant (Variation ID: 922763). An algorithm developed to predict the effect of missense changes on protein structure and function (PolyPhen-2) suggests that this variant is likely to be disruptive. In summary, the available evidence is currently insufficient to determine the role of this variant in disease. Therefore, it has been classified as a Variant of Uncertain Significance.

All of Us Research Program, National Institutes of Health
Classification: Uncertain significance for Arrhythmogenic cardiomyopathy with wooly hair and keratoderma. Last evaluated: 2024-07-20. Review status: criteria provided, single submitter. Criteria: ACMG Guidelines, 2015. Collection method: clinical testing. Allele origin: germline. Inheritance: Autosomal dominant inheritance. Observed: 2 variant alleles, 2 heterozygotes.
Comment: This missense variant replaces cysteine with arginine at codon 2501 of the DSP protein. Computational prediction is inconclusive regarding the impact of this variant on protein structure and function (internally defined REVEL score threshold 0.5 < inconclusive < 0.7, PMID: 27666373). To our knowledge, functional studies have not been reported for this variant. This variant has not been reported in individuals affected with cardiovascular disorders in the literature. This variant has been identified in 2/251488 chromosomes in the general population by the Genome Aggregation Database (gnomAD). The available evidence is insufficient to determine the role of this variant in disease conclusively. Therefore, this variant is classified as a Variant of Uncertain Significance.

This study involves interpretation of variants in research participants for the purpose of population health screening. Participant phenotype was not available at the time of variant classification. Additional details can be found in publication PMID: 35346344, PMCID: PMC8962531

Color Diagnostics, LLC DBA Color Health
Classification: Uncertain significance for Cardiomyopathy. Last evaluated: 2024-03-06. Review status: criteria provided, single submitter. Criteria: ACMG Guidelines, 2015. Collection method: clinical testing. Allele origin: germline.
Comment: This missense variant replaces cysteine with arginine at codon 2501 of the DSP protein. Computational prediction is inconclusive regarding the impact of this variant on protein structure and function (internally defined REVEL score threshold 0.5 < inconclusive < 0.7, PMID: 27666373). To our knowledge, functional studies have not been reported for this variant. This variant has not been reported in individuals affected with cardiovascular disorders in the literature. This variant has been identified in 2/251488 chromosomes in the general population by the Genome Aggregation Database (gnomAD). The available evidence is insufficient to determine the role of this variant in disease conclusively. Therefore, this variant is classified as a Variant of Uncertain Significance.